The following is an entry in ClinVar:

ClinVar aggregate classification (germline): Uncertain significance. Review status: criteria provided, multiple submitters, no conflicts (2 of 4 stars). 2 submissions from 2 submitters: Uncertain significance (2). Last evaluated 2026-07-02.

Conditions:
Hereditary cancer-predisposing syndrome. Also called: Tumor predisposition; Hereditary neoplastic syndrome; Hereditary Cancer Syndrome; Neoplastic Syndromes, Hereditary. Identifiers: Orphanet 140162, MedGen C0027672, MeSH D009386, MONDO:0015356.
Oligodontia-cancer predisposition syndrome. Also called: TOOTH AGENESIS-COLORECTAL CANCER SYNDROME. Identifiers: Orphanet 300576, MedGen C1837750, MONDO:0012075, OMIM 608615. Disease mechanism: loss of function.

Submissions (2):

Ambry Genetics
Classification: Uncertain significance for Hereditary cancer-predisposing syndrome. Last evaluated: 2026-07-02. Review status: criteria provided, single submitter. Criteria: Ambry Variant Classification Scheme 2023. Collection method: clinical testing. Allele origin: germline.
Comment: The p.A133S variant (also known as c.397G>T), located in coding exon 1 of the AXIN2 gene, results from a G to T substitution at nucleotide position 397. The alanine at codon 133 is replaced by serine, an amino acid with similar properties. This amino acid position is conserved. In addition, this alteration is predicted to be deleterious by in silico analysis. Based on the available evidence, the clinical significance of this variant remains unclear.

Labcorp Genetics (formerly Invitae), Labcorp
Classification: Uncertain significance for Oligodontia-cancer predisposition syndrome. Last evaluated: 2024-07-16. Review status: criteria provided, single submitter. Criteria: Invitae Variant Classification Sherloc (09022015). Collection method: clinical testing. Allele origin: germline.
Comment: This sequence change replaces alanine, which is neutral and non-polar, with serine, which is neutral and polar, at codon 133 of the AXIN2 protein (p.Ala133Ser). This variant is not present in population databases (gnomAD no frequency). This variant has not been reported in the literature in individuals affected with AXIN2-related conditions. Advanced modeling of protein sequence and biophysical properties (such as structural, functional, and spatial information, amino acid conservation, physicochemical variation, residue mobility, and thermodynamic stability) performed at Invitae indicates that this missense variant is expected to disrupt AXIN2 protein function with a positive predictive value of 80%. In summary, the available evidence is currently insufficient to determine the role of this variant in disease. Therefore, it has been classified as a Variant of Uncertain Significance.

NM_004655.4(AXIN2):c.397G>T (p.Ala133Ser)

Gene: AXIN2 (axin 2; minus strand). Cytogenetic location: 17q24.1.
Variant type: single nucleotide variant.
Coding change: c.397G>T on transcript NM_004655.4 (MANE Select); coding-DNA position 397, G replaced by T.
Protein change: p.Ala133Ser; replaces alanine 133 with serine.
Molecular consequence: missense variant.
Genome position (GRCh38, 1-based): chr17:65,558,224, C>A on the plus strand (G>T on the coding strand, the complement: AXIN2 is on the minus strand). VCF-style: chr17-65558224-C-A. GRCh37 (hg19) VCF-style: chr17-63554342-C-A.
Other names: c.397G>T, p.Ala133Ser (NM_001363813.1); short protein forms A133S.
Identifiers: ClinVar variation 3699092 (VCV003699092.3).